The following is an entry in ClinVar:

ClinVar aggregate classification (germline): Uncertain significance. Review status: criteria provided, multiple submitters, no conflicts (2 of 4 stars). 2 submissions from 2 submitters: Uncertain significance (2). Last evaluated 2025-08-26.

Conditions:
Inborn genetic diseases. Identifiers: MedGen C0950123, MeSH D030342.
Salla disease (SD). Also called: Sialuria, Finnish type; N-acetylneuraminic acid (NANA) storage disease (NSD); Infantile sialic acid storage disorder (ISSD); Less Severe FSASD (Salla Disease). Identifiers: Orphanet 309334, Orphanet 834, MedGen C1096903, MONDO:0011449, OMIM 604369.

Allele frequency attached by ClinVar (database versions not stated): ExAC 0.00001; gnomAD exomes 0.00001.
gnomAD v4.1: 3 of 1,614,242 alleles (0.00019%); highest among the groups gnomAD compares: Admixed American, 0.005%; no homozygotes.

Submissions (2):

Ambry Genetics
Classification: Uncertain significance for Inborn genetic diseases. Last evaluated: 2025-08-26. Review status: criteria provided, single submitter. Criteria: Ambry Variant Classification Scheme 2023. Collection method: clinical testing. Allele origin: germline.

Labcorp Genetics (formerly Invitae), Labcorp
Classification: Uncertain significance for Salla disease. Last evaluated: 2024-06-17. Review status: criteria provided, single submitter. Criteria: Invitae Variant Classification Sherloc (09022015). Collection method: clinical testing. Allele origin: germline.
Comment: This sequence change replaces leucine, which is neutral and non-polar, with proline, which is neutral and non-polar, at codon 138 of the SLC17A5 protein (p.Leu138Pro). This variant is present in population databases (rs758934754, gnomAD 0.009%). This variant has not been reported in the literature in individuals affected with SLC17A5-related conditions. ClinVar contains an entry for this variant (Variation ID: 2201913). Advanced modeling of protein sequence and biophysical properties (such as structural, functional, and spatial information, amino acid conservation, physicochemical variation, residue mobility, and thermodynamic stability) performed at Invitae indicates that this missense variant is not expected to disrupt SLC17A5 protein function with a negative predictive value of 80%. In summary, the available evidence is currently insufficient to determine the role of this variant in disease. Therefore, it has been classified as a Variant of Uncertain Significance.

NM_012434.5(SLC17A5):c.413T>C (p.Leu138Pro)

Gene: SLC17A5 (solute carrier family 17 member 5; minus strand). Cytogenetic location: 6q13.
Variant type: single nucleotide variant.
Coding change: c.413T>C on transcript NM_012434.5 (MANE Select); coding-DNA position 413, T replaced by C.
Protein change: p.Leu138Pro; replaces leucine 138 with proline.
Molecular consequence: missense variant.
Genome position (GRCh38, 1-based): chr6:73,641,803, A>G on the plus strand (T>C on the coding strand, the complement: SLC17A5 is on the minus strand). VCF-style: chr6-73641803-A-G. GRCh37 (hg19) VCF-style: chr6-74351526-A-G.
Other names: c.182T>C, p.Leu61Pro (NM_001382629.1, NM_001382636.1); c.413T>C, p.Leu138Pro (NM_001382630.1, NM_001382632.1, NM_001382633.1 and 2 more transcripts); c.434T>C, p.Leu145Pro (NM_001382631.1); c.413T>C (NM_012434.4); short protein forms L138P, L145P, L61P.
Identifiers: ClinVar variation 2201913 (VCV002201913.4), dbSNP rs758934754, ClinGen allele CA3890536.